The following is an entry in ClinVar:

ClinVar aggregate classification (germline): Benign. Review status: criteria provided, multiple submitters, no conflicts (2 of 4 stars). 3 submissions from 3 submitters: Benign (2). 1 of the submissions does not count toward it. Last evaluated 2026-02-01.

Conditions:
CELSR2-related disorder. Also called: CELSR2-related condition.

Allele frequency attached by ClinVar (database versions not stated): gnomAD 0.35472 and 0.36199; 1000 Genomes Project 30x 0.35228; TOPMed 0.35608; ESP Exome Variant Server 0.35268; 1000 Genomes Project 0.35304; ExAC 0.42856; gnomAD exomes 0.43597.
gnomAD v4.1: 712,437 of 1,613,040 alleles (44%); highest among the groups gnomAD compares: Middle Eastern, 50%; 162,276 homozygotes.

Submissions (3):

Labcorp Genetics (formerly Invitae), Labcorp
Classification: Benign. Last evaluated: 2026-02-01. Review status: criteria provided, single submitter. Criteria: Invitae Variant Classification Sherloc (09022015). Collection method: clinical testing. Allele origin: germline.

Breakthrough Genomics
Classification: Benign. Review status: criteria provided, single submitter. Criteria: ACMG Guidelines, 2015. Collection method: not provided. Allele origin: germline. Inheritance: Unknown mechanism. Affected: yes.

PreventionGenetics, part of Exact Sciences
Classification: Benign for CELSR2-related condition. Last evaluated: 2019-10-17. Review status: no assertion criteria provided. Collection method: clinical testing. Allele origin: germline. Not counted in ClinVar's aggregate classification.
Comment: This variant is classified as benign based on ACMG/AMP sequence variant interpretation guidelines (Richards et al. 2015 PMID: 25741868, with internal and published modifications).

NM_001408.3(CELSR2):c.5313G>A (p.Pro1771=)

Gene: CELSR2 (cadherin EGF LAG seven-pass G-type receptor 2; plus strand). Cytogenetic location: 1p13.3.
Variant type: single nucleotide variant.
Coding change: c.5313G>A on transcript NM_001408.3 (MANE Select); coding-DNA position 5313, G replaced by A.
Protein change: p.Pro1771=; no amino-acid change (proline 1771 retained).
Molecular consequence: synonymous variant.
Genome position (GRCh38, 1-based): chr1:109,264,477, G>A. VCF-style: chr1-109264477-G-A. GRCh37 (hg19) VCF-style: chr1-109807099-G-A.
Other names: c.5313G>A (NM_001408.2).
Identifiers: ClinVar variation 1624699 (VCV001624699.11), dbSNP rs6689614, ClinGen allele CA987521.